The following is an entry in ClinVar:

ClinVar aggregate classification (germline): Uncertain significance (1 of 4 stars; one submission).

Conditions:
Epidermolysis bullosa simplex 3, localized or generalized intermediate, with BP230 deficiency (EBS3). Also called: Epidermolysis bullosa simplex due to BP230 deficiency; Epidermolysis bullosa simplex, autosomal recessive 2. Identifiers: Orphanet 412181, MedGen C3809470, MONDO:0014180, OMIM 615425.
Hereditary sensory and autonomic neuropathy type 6. Also called: HSAN VI; Neuropathy, hereditary sensory and autonomic, type VI. Identifiers: Orphanet 314381, MedGen C3539003, MONDO:0013839, OMIM 614653.

Submission:

Labcorp Genetics (formerly Invitae), Labcorp
Classification: Uncertain significance for Epidermolysis bullosa simplex 3, localized or generalized intermediate, with BP230 deficiency; Hereditary sensory and autonomic neuropathy type 6. Last evaluated: 2023-07-17. Review status: criteria provided, single submitter. Criteria: Invitae Variant Classification Sherloc (09022015). Collection method: clinical testing. Allele origin: germline.
Comment: In summary, the available evidence is currently insufficient to determine the role of this variant in disease. Therefore, it has been classified as a Variant of Uncertain Significance. An algorithm developed to predict the effect of missense changes on protein structure and function (PolyPhen-2) suggests that this variant is likely to be disruptive. ClinVar contains an entry for this variant (Variation ID: 1515256). This variant has not been reported in the literature in individuals affected with DST-related conditions. This variant is not present in population databases (gnomAD no frequency). This sequence change replaces valine, which is neutral and non-polar, with glycine, which is neutral and non-polar, at codon 1058 of the DST protein (p.Val1058Gly).

NM_001374736.1(DST):c.4784T>G (p.Val1595Gly)

Gene: DST (dystonin; minus strand). Cytogenetic location: 6p12.1.
Variant type: single nucleotide variant.
Coding change: c.4784T>G on transcript NM_001374736.1 (MANE Select); coding-DNA position 4784, T replaced by G.
Protein change: p.Val1595Gly; replaces valine 1595 with glycine.
Molecular consequence: missense variant.
Genome position (GRCh38, 1-based): chr6:56,625,203, A>C on the plus strand (T>G on the coding strand, the complement: DST is on the minus strand). VCF-style: chr6-56625203-A-C. GRCh37 (hg19) VCF-style: chr6-56490001-A-C.
Other names: c.4151T>G, p.Val1384Gly (NM_001386100.1, NM_183380.4, NM_001374729.1 and 1 more transcripts); c.3173T>G, p.Val1058Gly (NM_001723.7, NM_015548.5); c.4685T>G, p.Val1562Gly (NM_001144769.5); c.4271T>G, p.Val1424Gly (NM_001144770.2); c.4784T>G, p.Val1595Gly (NM_001374722.1); c.4811T>G, p.Val1604Gly (NM_001374734.1); short protein forms V1604G, V1058G, V1384G, V1424G, V1562G, V1595G.
Identifiers: ClinVar variation 1515256 (VCV001515256.8), dbSNP rs2152747900, ClinGen allele CA364572767.
Genomic context (GRCh38, chr6:56,625,203, plus strand): 5'-CATACTTTTATTACCTCTTGAATAATGAGATCTGCTGAACTCTGCATTCTTCGGCGTTTC[A>C]CTGGAGATTTTTGTTGTGAATCTACCATGGCCCGGTAGGTCATTGTTTGTAATTCATAGT-3'
Protein context (NP_001361665.1, residues 1585-1605): AMVDSQQKSP[Val1595Gly]KRRRMQSSAD